The following is an entry in ClinVar:

NM_001029883.3(PCARE):c.3089C>T (p.Pro1030Leu)

Gene: PCARE (photoreceptor cilium actin regulator; minus strand). Cytogenetic location: 2p23.2.
Variant type: single nucleotide variant.
Coding change: c.3089C>T on transcript NM_001029883.3 (MANE Select); coding-DNA position 3089, C replaced by T.
Protein change: p.Pro1030Leu; replaces proline 1030 with leucine.
Molecular consequence: missense variant.
Genome position (GRCh38, 1-based): chr2:29,071,173, G>A on the plus strand (C>T on the coding strand, the complement: PCARE is on the minus strand). VCF-style: chr2-29071173-G-A. GRCh37 (hg19) VCF-style: chr2-29294039-G-A.
Other names: short protein forms P1030L.
Identifiers: ClinVar variation 193148 (VCV000193148.10), dbSNP rs773374374, ClinGen allele CA238650.

ClinVar aggregate classification (germline): Uncertain significance. Review status: criteria provided, multiple submitters, no conflicts (2 of 4 stars). 3 submissions from 3 submitters: Uncertain significance (3). Last evaluated 2022-02-01.

Allele frequency attached by ClinVar (database versions not stated): gnomAD 0.00001; gnomAD exomes 0.00001; TOPMed 0.00001; ExAC 0.00002.

Submissions (3):

Labcorp Genetics (formerly Invitae), Labcorp
Classification: Uncertain significance. Last evaluated: 2022-02-01. Review status: criteria provided, single submitter. Criteria: Invitae Variant Classification Sherloc (09022015). Collection method: clinical testing. Allele origin: germline.
Comment: In summary, the available evidence is currently insufficient to determine the role of this variant in disease. Therefore, it has been classified as a Variant of Uncertain Significance. Algorithms developed to predict the effect of missense changes on protein structure and function are either unavailable or do not agree on the potential impact of this missense change (SIFT: "Deleterious"; PolyPhen-2: "Benign"; Align-GVGD: "Class C15"). ClinVar contains an entry for this variant (Variation ID: 193148). This variant has not been reported in the literature in individuals affected with PCARE-related conditions. This variant is present in population databases (rs773374374, gnomAD 0.002%). This sequence change replaces proline, which is neutral and non-polar, with leucine, which is neutral and non-polar, at codon 1030 of the PCARE protein (p.Pro1030Leu).

Blueprint Genetics
Classification: Uncertain significance. Last evaluated: 2018-07-21. Review status: criteria provided, single submitter. Criteria: ACMG Guidelines, 2015. Collection method: clinical testing. Allele origin: germline.

Eurofins Ntd Llc (ga)
Classification: Uncertain significance. Last evaluated: 2015-01-13. Review status: criteria provided, single submitter. Criteria: EGL Classification Definitions 2015. Collection method: clinical testing. Allele origin: germline. Observed: 1 variant allele, 1 heterozygote.